The following is an entry in ClinVar:

NM_016203.4(PRKAG2):c.352C>T (p.Pro118Ser)

Gene: PRKAG2 (protein kinase AMP-activated non-catalytic subunit gamma 2; minus strand). Cytogenetic location: 7q36.1.
Variant type: single nucleotide variant.
Coding change: c.352C>T on transcript NM_016203.4 (MANE Select); coding-DNA position 352, C replaced by T.
Protein change: p.Pro118Ser; replaces proline 118 with serine.
Molecular consequence: missense variant.
Genome position (GRCh38, 1-based): chr7:151,781,266, G>A on the plus strand (C>T on the coding strand, the complement: PRKAG2 is on the minus strand). VCF-style: chr7-151781266-G-A. GRCh37 (hg19) VCF-style: chr7-151478352-G-A.
Other names: c.220C>T, p.Pro74Ser (NM_001040633.2); short protein forms P118S, P74S.
Identifiers: ClinVar variation 533883 (VCV000533883.13), dbSNP rs1554596200, ClinGen allele CA370069613.

ClinVar aggregate classification (germline): Uncertain significance. Review status: criteria provided, multiple submitters, no conflicts (2 of 4 stars). 3 submissions from 3 submitters: Uncertain significance (3). Last evaluated 2025-04-07.

Conditions:
Lethal congenital glycogen storage disease of heart. Also called: GLYCOGEN STORAGE DISEASE OF HEART; PHOSPHORYLASE KINASE DEFICIENCY OF HEART. Identifiers: Orphanet 439854, MedGen C1849813, MONDO:0009867, OMIM 261740.
Hypertrophic cardiomyopathy. Also called: HYPERTROPHIC MYOCARDIOPATHY. Identifiers: Orphanet 217569, MedGen C0007194, MeSH D002312, MONDO:0005045, HP:0001639.
PRKAG2-related cardiomyopathy. Identifiers: MedGen CN375941, MONDO:0800484.

Allele frequency attached by ClinVar (database versions not stated): gnomAD exomes below 0.00001.
gnomAD v4.1: 1 of 1,614,154 alleles (0.000062%); highest among the groups gnomAD compares: Non-Finnish European, 0.000085%; no homozygotes.

Submissions (3):

Victorian Clinical Genetics Services, Murdoch Childrens Research Institute
Classification: Uncertain significance for PRKAG2-related cardiomyopathy. Last evaluated: 2025-04-07. Review status: criteria provided, single submitter. Criteria: ACMG Guidelines, 2015. Collection method: clinical testing. Allele origin: germline. Affected: yes.
Comment: This variant is classified as VUS-3B. Evidence in support of pathogenic classification: Variant is present in gnomAD <0.001 for a dominant condition (v4: 1 heterozygote(s), 0 homozygote(s)) . Additional information: Variant is predicted to result in a missense amino acid change from proline to serine; This variant is non-coding in an alternative transcript. It is intronic or non-coding in multiple other RefSeq trancripts, including NM_024429, which has the highest overall expression level in human tissue and NM_001304527, which has a higher expression level in heart tissue (GTEx). In addition, other pathogenic/likely pathogenic variants have not been reported in this exon (ClinVar); This variant is heterozygous; This gene is associated with autosomal dominant disease; Previous evidence of pathogenicity for this variant is inconclusive. It has been classified as a variant of uncertain significance by two clinical laboratories (ClinVar); No published segregation evidence has been identified for this variant; No published functional evidence has been identified for this variant; No comparable missense variants have previous evidence for pathogenicity; Variant is not located in an established domain, motif, hotspot or informative constraint region; Missense variant with inconclusive in silico prediction and uninformative conservation; Loss of function is a known mechanism of disease in this gene and is associated with hypertrophic cardiomyopathy 6 (MIM#600858), lethal congenital glycogen storage disease of heart (MIM#261740) and Wolff-Parkinson-White syndrome (MIM#194200); Variants in this gene are known to have variable expressivity. Intrafamilial and interfamilial variable expressivity have been reported (PMIDs: 11407343, 28431061); Inheritance information for this variant is not currently available in this individual.

All of Us Research Program, National Institutes of Health
Classification: Uncertain significance for Hypertrophic cardiomyopathy. Last evaluated: 2023-06-26. Review status: criteria provided, single submitter. Criteria: ACMG Guidelines, 2015. Collection method: clinical testing. Allele origin: germline. Inheritance: Autosomal dominant inheritance. Observed: 1 variant allele, 1 heterozygote.
Comment: This missense variant replaces proline with serine at codon 118 of the PRKAG2 protein. Computational prediction suggests that this variant may not impact protein structure and function (internally defined REVEL score threshold <= 0.5, PMID: 27666373). To our knowledge, functional studies have not been reported for this variant. This variant has not been reported in individuals affected with PRKAG2-related disorders in the literature. This variant has not been identified in the general population by the Genome Aggregation Database (gnomAD). The available evidence is insufficient to determine the role of this variant in disease conclusively. Therefore, this variant is classified as a Variant of Uncertain Significance.

This study involves interpretation of variants in research participants for the purpose of population health screening. Participant phenotype was not available at the time of variant classification. Additional details can be found in publication PMID: 35346344, PMCID: PMC8962531

Labcorp Genetics (formerly Invitae), Labcorp
Classification: Uncertain significance for Lethal congenital glycogen storage disease of heart. Last evaluated: 2022-03-09. Review status: criteria provided, single submitter. Criteria: Invitae Variant Classification Sherloc (09022015). Collection method: clinical testing. Allele origin: germline.
Comment: In summary, the available evidence is currently insufficient to determine the role of this variant in disease. Therefore, it has been classified as a Variant of Uncertain Significance. Advanced modeling of protein sequence and biophysical properties (such as structural, functional, and spatial information, amino acid conservation, physicochemical variation, residue mobility, and thermodynamic stability) performed at Invitae indicates that this missense variant is not expected to disrupt PRKAG2 protein function. ClinVar contains an entry for this variant (Variation ID: 533883). This variant has not been reported in the literature in individuals affected with PRKAG2-related conditions. This variant is not present in population databases (gnomAD no frequency). This sequence change replaces proline, which is neutral and non-polar, with serine, which is neutral and polar, at codon 118 of the PRKAG2 protein (p.Pro118Ser).

Literature cited by the submitters: PubMed 28431061 (cited by Victorian Clinical Genetics Services, Murdoch Childrens Research Institute); PubMed 11407343 (cited by Victorian Clinical Genetics Services, Murdoch Childrens Research Institute).